The following is an entry in ClinVar:

ClinVar aggregate classification (germline): Likely benign. Review status: criteria provided, multiple submitters, no conflicts (2 of 4 stars). 2 submissions from 2 submitters: Likely benign (2). Last evaluated 2026-01-19.

Allele frequency attached by ClinVar (database versions not stated): ExAC 0.00003; gnomAD exomes 0.00004; gnomAD 0.00005 and 0.00006; ESP Exome Variant Server 0.00008; TOPMed 0.00008.
gnomAD v4.1: 65 of 1,613,922 alleles (0.004%); highest among the groups gnomAD compares: Non-Finnish European, 0.00085%; no homozygotes.

Submissions (2):

Labcorp Genetics (formerly Invitae), Labcorp
Classification: Likely benign. Last evaluated: 2026-01-19. Review status: criteria provided, single submitter. Criteria: Invitae Variant Classification Sherloc (09022015). Collection method: clinical testing. Allele origin: germline.

CeGaT Center for Human Genetics Tuebingen
Classification: Likely benign. Last evaluated: 2022-03-01. Review status: criteria provided, single submitter. Criteria: CeGaT Center For Human Genetics Tuebingen Variant Classification Criteria Version 2. Collection method: clinical testing. Allele origin: germline. Affected: yes. Observed: 1 variant allele.
Comment: FAT4: BP4, BP7

NM_001291303.3(FAT4):c.6597T>C (p.Asn2199=)

Gene: FAT4 (FAT atypical cadherin 4; plus strand). Cytogenetic location: 4q28.1.
Variant type: single nucleotide variant.
Coding change: c.6597T>C on transcript NM_001291303.3 (MANE Select); coding-DNA position 6597, T replaced by C.
Protein change: p.Asn2199=; no amino-acid change (asparagine 2199 retained).
Molecular consequence: synonymous variant.
Genome position (GRCh38, 1-based): chr4:125,415,560, T>C. VCF-style: chr4-125415560-T-C. GRCh37 (hg19) VCF-style: chr4-126336715-T-C.
Other names: c.6597T>C, p.Asn2199= (NM_001291285.3, NM_024582.6).
Identifiers: ClinVar variation 1144765 (VCV001144765.31), dbSNP rs377502295, ClinGen allele CA3072947.